The following is an entry in ClinVar:

NM_016599.5(MYOZ2):c.47C>T (p.Thr16Ile)

Gene: MYOZ2 (myozenin 2; plus strand). Cytogenetic location: 4q26.
Variant type: single nucleotide variant.
Coding change: c.47C>T on transcript NM_016599.5 (MANE Select); coding-DNA position 47, C replaced by T.
Protein change: p.Thr16Ile; replaces threonine 16 with isoleucine.
Molecular consequence: missense variant.
Genome position (GRCh38, 1-based): chr4:119,136,572, C>T. VCF-style: chr4-119136572-C-T. GRCh37 (hg19) VCF-style: chr4-120057727-C-T.
Other names: c.47C>T (NM_016599.4); short protein forms T16I.
Identifiers: ClinVar variation 1413508 (VCV001413508.2), dbSNP rs1408647865, ClinGen allele CA358203288.

ClinVar aggregate classification (germline): Uncertain significance. Review status: criteria provided, multiple submitters, no conflicts (2 of 4 stars). 2 submissions from 2 submitters: Uncertain significance (2). Last evaluated 2023-11-21.

Conditions:
Cardiovascular phenotype. Identifiers: MedGen CN230736.
Hypertrophic cardiomyopathy. Also called: HYPERTROPHIC MYOCARDIOPATHY. Identifiers: Orphanet 217569, MedGen C0007194, MeSH D002312, MONDO:0005045, HP:0001639.

Allele frequency attached by ClinVar (database versions not stated): gnomAD exomes below 0.00001.
gnomAD v4.1: 1 of 1,613,612 alleles (0.000062%); highest among the groups gnomAD compares: Admixed American, 0.0017%; no homozygotes.

Submissions (2):

Ambry Genetics
Classification: Uncertain significance for Cardiovascular phenotype. Last evaluated: 2023-11-21. Review status: criteria provided, single submitter. Criteria: Ambry Variant Classification Scheme 2023. Collection method: clinical testing. Allele origin: germline.
Comment: The p.T16I variant (also known as c.47C>T), located in coding exon 1 of the MYOZ2 gene, results from a C to T substitution at nucleotide position 47. The threonine at codon 16 is replaced by isoleucine, an amino acid with similar properties. This amino acid position is conserved. In addition, this alteration is predicted to be tolerated by in silico analysis. Since supporting evidence is limited at this time, the clinical significance of this alteration remains unclear.

Labcorp Genetics (formerly Invitae), Labcorp
Classification: Uncertain significance for Hypertrophic cardiomyopathy. Last evaluated: 2021-08-27. Review status: criteria provided, single submitter. Criteria: Invitae Variant Classification Sherloc (09022015). Collection method: clinical testing. Allele origin: germline.
Comment: This sequence change replaces threonine with isoleucine at codon 16 of the MYOZ2 protein (p.Thr16Ile). The threonine residue is weakly conserved and there is a moderate physicochemical difference between threonine and isoleucine. This variant is not present in population databases (ExAC no frequency). This variant has not been reported in the literature in individuals affected with MYOZ2-related conditions. Algorithms developed to predict the effect of missense changes on protein structure and function are either unavailable or do not agree on the potential impact of this missense change (SIFT: "Deleterious"; PolyPhen-2: "Benign"; Align-GVGD: "Class C0"). In summary, the available evidence is currently insufficient to determine the role of this variant in disease. Therefore, it has been classified as a Variant of Uncertain Significance.